The following is an entry in ClinVar:

ClinVar aggregate classification (germline): Benign/Likely benign. Review status: criteria provided, multiple submitters, no conflicts (2 of 4 stars). 2 submissions from 2 submitters: Benign (1); Likely benign (1). Last evaluated 2025-04-25.

Conditions:
RPGR-related disorder. Also called: RPGR-related condition.
Primary ciliary dyskinesia. Also called: Ciliary dyskinesia. Identifiers: Orphanet 244, MedGen C0008780, MONDO:0016575, HP:0012265.

Submissions (2):

PreventionGenetics, part of Exact Sciences
Classification: Likely benign for RPGR-related condition. Last evaluated: 2025-04-25. Review status: criteria provided, single submitter. Criteria: ACMG Guidelines, 2015. Collection method: clinical testing. Allele origin: germline.
Comment: This variant is classified as likely benign based on ACMG/AMP sequence variant interpretation guidelines (Richards et al. 2015 PMID: 25741868, with internal and published modifications).

Labcorp Genetics (formerly Invitae), Labcorp
Classification: Benign for Primary ciliary dyskinesia. Last evaluated: 2024-10-22. Review status: criteria provided, single submitter. Criteria: Invitae Variant Classification Sherloc (09022015). Collection method: clinical testing. Allele origin: germline.

NM_001034853.2(RPGR):c.2946_2951del (p.Glu984_Glu985del)

Gene: RPGR (retinitis pigmentosa GTPase regulator; minus strand). Cytogenetic location: Xp11.4.
Variant type: Deletion.
Coding change: c.2946_2951del on transcript NM_001034853.2 (MANE Select); coding-DNA positions 2946 to 2951, 6 bases deleted (AGAGGA; older notation c.2946_2951delAGAGGA).
Protein change: p.Glu984_Glu985del.
Molecular consequence: inframe deletion. On other transcripts: intron variant (8).
Genome position (GRCh38, 1-based): chrX:38,286,048-38,286,053, TCCTCT deleted on the plus strand (AGAGGA on the coding strand, the reverse complement: RPGR is on the minus strand); deleting any 6 consecutive bases within chrX:38,286,048-38,286,056 gives the same sequence; the c. name uses the placement nearest the transcript's 3' end. VCF-style (leftmost placement, unchanged base first): chrX-38286047-CTCCTCT-C. GRCh37 (hg19) VCF-style: chrX-38145300-CTCCTCT-C.
Other names: c.2946_2951del6 (NM_001034853.1); c.1569+4906_1569+4911del (NM_001367249.1, NM_001367250.1); c.1902+1041_1902+1046del (NM_001367245.1); c.1386+4906_1386+4911del (NM_001367251.1); c.1719+1041_1719+1046del (NM_001367246.1); c.1572+4906_1572+4911del (NM_001367247.1); c.1905+1041_1905+1046del (NM_000328.3); c.1602+4906_1602+4911del (NM_001367248.1).
Identifiers: ClinVar variation 237683 (VCV000237683.9), dbSNP rs767210576, ClinGen allele CA10583949.
Genomic context (GRCh38, chrX:38,286,047, plus strand): 5'-CTCTCCTTCTTCCTCCCCTTCTTCTTCCCCTTCCTCCTCTTCCCCCTCCCCTTCTCCTTC[CTCCTCT>C]TCCCCCTCCCCTTCTCCTTCCTCCCCTTCCCCTTCTCCTTCCTCTTCCCCCTCCCCTTCT-3'